The following is an entry in ClinVar:

ClinVar aggregate classification (germline): Benign/Likely benign. Review status: criteria provided, multiple submitters, no conflicts (2 of 4 stars). 3 submissions from 3 submitters: Benign (1); Likely benign (2). Last evaluated 2025-08-10.

Conditions:
Hereditary cancer-predisposing syndrome. Also called: Neoplastic Syndromes, Hereditary; Hereditary neoplastic syndrome; Hereditary Cancer Syndrome; Tumor predisposition. Identifiers: Orphanet 140162, MedGen C0027672, MeSH D009386, MONDO:0015356.
Familial cancer of breast. Also called: hereditary breast carcinoma; BREAST CANCER, FAMILIAL; Hereditary breast cancer. Identifiers: Orphanet 227535, MedGen C0346153, MONDO:0016419, OMIM 114480. Disease mechanism: loss of function.

Submissions (3):

Labcorp Genetics (formerly Invitae), Labcorp
Classification: Likely benign for Familial cancer of breast. Last evaluated: 2025-08-10. Review status: criteria provided, single submitter. Criteria: Invitae Variant Classification Sherloc (09022015). Collection method: clinical testing. Allele origin: germline.

Myriad Genetics, Inc.
Classification: Benign for Familial cancer of breast. Last evaluated: 2024-07-22. Review status: criteria provided, single submitter. Criteria: Myriad Autosomal Dominant, Autosomal Recessive and X-Linked Classification Criteria (2023). Collection method: clinical testing. Allele origin: unknown.
Comment: This variant is considered benign. This variant is a silent/synonymous amino acid change and it is not expected to impact splicing.

Ambry Genetics
Classification: Likely benign for Hereditary cancer-predisposing syndrome. Last evaluated: 2015-11-25. Review status: criteria provided, single submitter. Criteria: Ambry Variant Classification Scheme 2023. Collection method: clinical testing. Allele origin: germline.

NM_000465.4(BARD1):c.507A>T (p.Ile169=)

Gene: BARD1 (BRCA1 associated RING domain 1; minus strand). Cytogenetic location: 2q35.
Variant type: single nucleotide variant.
Coding change: c.507A>T on transcript NM_000465.4 (MANE Select); coding-DNA position 507, A replaced by T.
Protein change: p.Ile169=; no amino-acid change (isoleucine 169 retained).
Molecular consequence: synonymous variant. On other transcripts: non-coding transcript variant (2), intron variant (3).
Genome position (GRCh38, 1-based): chr2:214,781,367, T>A on the plus strand (A>T on the coding strand, the complement: BARD1 is on the minus strand). VCF-style: chr2-214781367-T-A. GRCh37 (hg19) VCF-style: chr2-215646091-T-A.
Other names: c.450A>T, p.Ile150= (NM_001282543.2); c.158+28045A>T (NM_001282548.2); c.215+15694A>T (NM_001282545.2); c.364+10930A>T (NM_001282549.2).
Identifiers: ClinVar variation 1625091 (VCV001625091.12), dbSNP rs2106112077, ClinGen allele CA431135668.